The following is an entry in ClinVar:

ClinVar aggregate classification (germline): Uncertain significance (1 of 4 stars; one submission).

Conditions:
Glycogen storage disease, type II (IOPD). Also called: Pompe Disease; CARDIOMEGALIA GLYCOGENICA DIFFUSA; GLYCOGENOSIS, GENERALIZED, CARDIAC FORM; GSD II; POMPE DISEASE, INFANTILE-ONSET; GLYCOGEN STORAGE DISEASE II, INFANTILE-ONSET. Identifiers: Orphanet 365, MedGen C0017921, MONDO:0009290, OMIM 232300.

Submission:

Genomenon, Inc
Classification: Uncertain significance for Glycogen storage disease, type II. Last evaluated: 2026-07-01. Review status: criteria provided, single submitter. Criteria: Genomenon Sequence Variant Interpretation Standards - Updated. Collection method: curation. Allele origin: germline. Affected: yes.
Comment: GAA p.His308Leu (c.923A>T) is a missense variant that changes the amino acid at codon 308 from Histidine to Leucine. This variant has been observed in at least one proband with a GAA-related disorder (PMID:11071489). Functional studies have been reported (PMID:19862843). The presence of pathogenic/likely pathogenic missense variant(s) at the same amino acid position indicates that this residue is likely important for protein function. It is absent or not present at a significant frequency in gnomAD. In silico models predict that this variant is possibly or probably damaging. In conclusion, we classify GAA p.His308Leu (c.923A>T) as a variant of uncertain significance.

Literature cited by the submitters: PubMed 11071489; PubMed 19862843.

NM_000152.5(GAA):c.923A>T (p.His308Leu)

Gene: GAA (alpha glucosidase; plus strand). Cytogenetic location: 17q25.3.
Variant type: single nucleotide variant.
Coding change: c.923A>T on transcript NM_000152.5 (MANE Select); coding-DNA position 923, A replaced by T.
Protein change: p.His308Leu; replaces histidine 308 with leucine.
Molecular consequence: missense variant.
Genome position (GRCh38, 1-based): chr17:80,107,864, A>T. VCF-style: chr17-80107864-A-T. GRCh37 (hg19) VCF-style: chr17-78081663-A-T.
Other names: c.923A>T, p.His308Leu (NM_001079803.3, NM_001079804.3, NM_001406741.1 and 1 more transcripts); short protein forms H308L.
Identifiers: ClinVar variation 4876547 (VCV004876547.1).